The following is an entry in ClinVar:

ClinVar aggregate classification (germline): Likely pathogenic (1 of 4 stars; one submission).

Conditions:
alpha Thalassemia. Also called: Alpha thalassemia spectrum. Identifiers: Orphanet 846, MedGen C0002312, MONDO:0011399, OMIM 604131.

Submission:

Natera, Inc.
Classification: Likely pathogenic for Alpha thalassemia. Last evaluated: 2025-12-23. Review status: criteria provided, single submitter. Criteria: Natera Variant Classification Schema (03/2026). Collection method: clinical testing. Allele origin: germline.
Comment: The c.199del variant in HBA1 is a frameshift variant predicted to shift the reading frame and introduce a stop codon. This variant is expected to result in nonsense mediated decay, truncation, or a dysfunctional protein product. This variant is rare in the general population with a frequency below the threshold expected for the associated phenotype(s). Given the available evidence, this variant is classified as Likely Pathogenic.

NM_000558.5(HBA1):c.199del (p.Ala66_Leu67insTer)

Genes: HBA1 (hemoglobin subunit alpha 1; plus strand), LOC106804613 (hemoglobin subunit alpha 1 recombination region; plus strand). Cytogenetic location: 16p13.3.
Variant type: Deletion.
Coding change: c.199del on transcript NM_000558.5 (MANE Select); coding-DNA position 199, one base deleted (C; older notation c.199delC).
Protein change: p.Ala66_Leu67insTer.
Molecular consequence: nonsense.
Genome position (GRCh38, 1-based): chr16:177,032, C deleted. VCF-style (leftmost placement, unchanged base first): chr16-177031-GC-G. GRCh37 (hg19) VCF-style: chr16-227030-GC-G.
Identifiers: ClinVar variation 4814387 (VCV004814387.1).